The following is an entry in ClinVar:

NM_001374353.1(GLI2):c.2525C>T (p.Ser842Phe)

Gene: GLI2 (GLI family zinc finger 2; plus strand). Cytogenetic location: 2q14.2.
Variant type: single nucleotide variant.
Coding change: c.2525C>T on transcript NM_001374353.1 (MANE Select); coding-DNA position 2525, C replaced by T.
Protein change: p.Ser842Phe; replaces serine 842 with phenylalanine.
Molecular consequence: missense variant.
Genome position (GRCh38, 1-based): chr2:120,988,490, C>T. VCF-style: chr2-120988490-C-T. GRCh37 (hg19) VCF-style: chr2-121746066-C-T.
Other names: c.2576C>T, p.Ser859Phe (NM_001371271.1, NM_005270.5); c.2150C>T, p.Ser717Phe (NM_001374354.1); short protein forms S717F, S842F, S859F.
Identifiers: ClinVar variation 3384751 (VCV003384751.1).
Genomic context (GRCh38, chr2:120,988,490, plus strand): 5'-CGCCCCTGGGCGCCGGCCGCCCGCACAACGCGAGCTCCGCTGACTCCTACGACCCCATCT[C>T]CACGGACGCGTCGCGGCGCTCGAGCGAGGCCAGCCAGTGCAGCGGCGGCTCCGGGCTGCT-3'
Protein context (NP_001361282.1, residues 832-852): ASSADSYDPI[Ser842Phe]TDASRRSSEA

ClinVar aggregate classification (germline): Uncertain significance (1 of 4 stars; one submission).

Submission:

Women's Health and Genetics/Laboratory Corporation of America, LabCorp
Classification: Uncertain significance. Last evaluated: 2024-10-11. Review status: criteria provided, single submitter. Criteria: LabCorp Variant Classification Summary - May 2015. Collection method: clinical testing. Allele origin: germline.
Comment: Variant summary: GLI2 c.2576C>T (p.Ser859Phe) results in a non-conservative amino acid change in the encoded protein sequence. Five of five in-silico tools predict a damaging effect of the variant on protein function. The frequency data for this variant in gnomAD is considered unreliable, as metrics indicate poor data quality at this position. To our knowledge, no occurrence of c.2576C>T in individuals affected with GLI2-Related Disorders and no experimental evidence demonstrating its impact on protein function have been reported. No submitters have cited clinical-significance assessments for this variant to ClinVar. Based on the evidence outlined above, the variant was classified as uncertain significance.